The following is an entry in ClinVar:

ClinVar aggregate classification (germline): Uncertain significance. Review status: criteria provided, multiple submitters, no conflicts (2 of 4 stars). 3 submissions from 3 submitters: Uncertain significance (3). Last evaluated 2026-06-22.

Conditions:
Hereditary cancer-predisposing syndrome. Also called: Tumor predisposition; Hereditary Cancer Syndrome; Hereditary neoplastic syndrome; Neoplastic Syndromes, Hereditary. Identifiers: Orphanet 140162, MedGen C0027672, MeSH D009386, MONDO:0015356.
Hereditary diffuse gastric adenocarcinoma (HDGC). Also called: DIFFUSE GASTRIC AND LOBULAR BREAST CANCER SYNDROME. Identifiers: Orphanet 26106, MedGen C1708349, MONDO:0007648, OMIM 137215.

Submissions (3):

Ambry Genetics
Classification: Uncertain significance for Hereditary cancer-predisposing syndrome. Last evaluated: 2026-06-22. Review status: criteria provided, single submitter. Criteria: Ambry Variant Classification Scheme 2023. Collection method: clinical testing. Allele origin: germline.
Comment: The p.S847F variant (also known as c.2540C>T), located in coding exon 16 of the CDH1 gene, results from a C to T substitution at nucleotide position 2540. The serine at codon 847 is replaced by phenylalanine, an amino acid with highly dissimilar properties. This amino acid position is conserved. In addition, this alteration is predicted to be deleterious by in silico analysis. Based on the available evidence, the clinical significance of this variant remains unclear.

Labcorp Genetics (formerly Invitae), Labcorp
Classification: Uncertain significance for Hereditary diffuse gastric adenocarcinoma. Last evaluated: 2024-05-23. Review status: criteria provided, single submitter. Criteria: Invitae Variant Classification Sherloc (09022015). Collection method: clinical testing. Allele origin: germline.
Comment: This sequence change replaces serine, which is neutral and polar, with phenylalanine, which is neutral and non-polar, at codon 847 of the CDH1 protein (p.Ser847Phe). This variant is not present in population databases (gnomAD no frequency). This variant has not been reported in the literature in individuals affected with CDH1-related conditions. ClinVar contains an entry for this variant (Variation ID: 1019665). An algorithm developed to predict the effect of missense changes on protein structure and function (PolyPhen-2) suggests that this variant is likely to be disruptive. In summary, the available evidence is currently insufficient to determine the role of this variant in disease. Therefore, it has been classified as a Variant of Uncertain Significance.

Color Diagnostics, LLC DBA Color Health
Classification: Uncertain significance for Hereditary cancer-predisposing syndrome. Last evaluated: 2023-02-27. Review status: criteria provided, single submitter. Criteria: ACMG Guidelines, 2015. Collection method: clinical testing. Allele origin: germline.
Comment: This missense variant replaces serine with phenylalanine at codon 847 of the CDH1 protein. To our knowledge, functional studies have not been reported for this variant. This variant has not been reported in individuals affected with hereditary CDH1-related disorders in the literature. This variant has not been identified in the general population by the Genome Aggregation Database (gnomAD). The available evidence is insufficient to determine the role of this variant in disease conclusively. Therefore, this variant is classified as a Variant of Uncertain Significance.

NM_004360.5(CDH1):c.2540C>T (p.Ser847Phe)

Gene: CDH1 (cadherin 1; plus strand). Cytogenetic location: 16q22.1.
Variant type: single nucleotide variant.
Coding change: c.2540C>T on transcript NM_004360.5 (MANE Select); coding-DNA position 2540, C replaced by T.
Protein change: p.Ser847Phe; replaces serine 847 with phenylalanine.
Molecular consequence: missense variant.
Genome position (GRCh38, 1-based): chr16:68,833,390, C>T. VCF-style: chr16-68833390-C-T. GRCh37 (hg19) VCF-style: chr16-68867293-C-T.
Other names: c.2357C>T, p.Ser786Phe (NM_001317184.2); c.992C>T, p.Ser331Phe (NM_001317185.2); c.575C>T, p.Ser192Phe (NM_001317186.2); c.2540C>T (NM_004360.3); short protein forms S192F, S331F, S786F, S847F.
Identifiers: ClinVar variation 1019665 (VCV001019665.11), dbSNP rs1555518249, ClinGen allele CA396472360.
Genomic context (GRCh38, chr16:68,833,390, plus strand): 5'-ATGATTCTCTGCTCGTGTTTGACTATGAAGGAAGCGGTTCCGAAGCTGCTAGTCTGAGCT[C>T]CCTGAACTCCTCAGAGTCAGACAAAGACCAGGACTATGACTACTTGAACGAATGGGGCAA-3'
Protein context (NP_004351.1, residues 837-857): GSGSEAASLS[Ser847Phe]LNSSESDKDQ